The following is an entry in ClinVar:

ClinVar aggregate classification (germline): Conflicting classifications of pathogenicity. Review status: criteria provided, conflicting classifications (1 of 4 stars). 5 submissions from 5 submitters: Uncertain significance (1); Likely benign (3). 1 of the submissions does not count toward it. Last evaluated 2026-02-02.

Conditions:
COL6A2-related disorder.
Bethlem myopathy 1A. Also called: Bethlem myopathy 1; MYOPATHY, BENIGN CONGENITAL, WITH CONTRACTURES; Bethlem Muscular Dystrophy. Identifiers: Orphanet 610, MedGen CN029274, MONDO:0024530, OMIM 158810.

Allele frequency attached by ClinVar (database versions not stated): ESP Exome Variant Server 0.00008; ExAC 0.00017; TOPMed 0.00017; gnomAD 0.00024; 1000 Genomes Project 30x 0.00031; 1000 Genomes Project 0.00040.

Submissions (5):

Labcorp Genetics (formerly Invitae), Labcorp
Classification: Likely benign for Bethlem myopathy 1A. Last evaluated: 2026-02-02. Review status: criteria provided, single submitter. Criteria: Invitae Variant Classification Sherloc (09022015). Collection method: clinical testing. Allele origin: germline.

Mayo Clinic Laboratories, Mayo Clinic
Classification: Likely benign. Last evaluated: 2025-03-07. Review status: criteria provided, single submitter. Criteria: ACMG Guidelines, 2015. Collection method: clinical testing. Allele origin: germline. Observed: 1 variant allele.
Comment: BP4, BP7

GeneDx
Classification: Likely benign. Last evaluated: 2020-02-05. Review status: criteria provided, single submitter. Criteria: GeneDx Variant Classification Process June 2021. Collection method: clinical testing. Allele origin: germline. Affected: yes.

Eurofins Ntd Llc (ga)
Classification: Uncertain significance. Last evaluated: 2016-07-22. Review status: criteria provided, single submitter. Criteria: EGL Classification Definitions 2015. Collection method: clinical testing. Allele origin: germline. Observed: 2 variant alleles, 2 heterozygotes.

PreventionGenetics, part of Exact Sciences
Classification: Likely benign for COL6A2-related condition. Last evaluated: 2023-11-08. Review status: no assertion criteria provided. Collection method: clinical testing. Allele origin: germline. Not counted in ClinVar's aggregate classification.
Comment: This variant is classified as likely benign based on ACMG/AMP sequence variant interpretation guidelines (Richards et al. 2015 PMID: 25741868, with internal and published modifications).

NM_001849.4(COL6A2):c.2937C>T (p.Asp979=)

Gene: COL6A2 (collagen type VI alpha 2 chain; plus strand). Cytogenetic location: 21q22.3.
Variant type: single nucleotide variant.
Coding change: c.2937C>T on transcript NM_001849.4 (MANE Select); coding-DNA position 2937, C replaced by T.
Protein change: p.Asp979=; no amino-acid change (aspartic acid 979 retained).
Molecular consequence: synonymous variant.
Genome position (GRCh38, 1-based): chr21:46,132,429, C>T. VCF-style: chr21-46132429-C-T. GRCh37 (hg19) VCF-style: chr21-47552343-C-T.
Other names: p.Asp979=.
Identifiers: ClinVar variation 288974 (VCV000288974.20), dbSNP rs150716220, ClinGen allele CA10073106.